The following is an entry in ClinVar:

NM_015378.4(VPS13D):c.4763G>A (p.Arg1588Lys)

Gene: VPS13D (vacuolar protein sorting 13 homolog D; plus strand). Cytogenetic location: 1p36.22.
Variant type: single nucleotide variant.
Coding change: c.4763G>A on transcript NM_015378.4 (MANE Select); coding-DNA position 4763, G replaced by A.
Protein change: p.Arg1588Lys; replaces arginine 1588 with lysine.
Molecular consequence: missense variant.
Genome position (GRCh38, 1-based): chr1:12,282,865, G>A. VCF-style: chr1-12282865-G-A. GRCh37 (hg19) VCF-style: chr1-12342922-G-A.
Other names: c.4763G>A, p.Arg1588Lys (NM_018156.4); c.4763G>A (NM_015378.3); short protein forms R1588K.
Identifiers: ClinVar variation 1380544 (VCV001380544.6), dbSNP rs1641828762, ClinGen allele CA338481454.
Genomic context (GRCh38, chr1:12,282,865, plus strand): 5'-CCCCTTGCCCTGATTCTCCTCTGCCTCCCCTCAGTACCTGTGGAGAATCTTCTGTTGAAA[G>A]GAAGGAGAATGGATTGTTCAGCCACTCCAGCCTTTCTAACACCTCTCAGAAGTCATTGTC-3'
Protein context (NP_056193.2, residues 1578-1598): LSTCGESSVE[Arg1588Lys]KENGLFSHSS

ClinVar aggregate classification (germline): Uncertain significance. Review status: criteria provided, multiple submitters, no conflicts (2 of 4 stars). 2 submissions from 2 submitters: Uncertain significance (2). Last evaluated 2023-11-18.

Allele frequency attached by ClinVar (database versions not stated): gnomAD exomes 0.00001.
gnomAD v4.1: 7 of 1,614,110 alleles (0.00043%); highest among the groups gnomAD compares: Non-Finnish European, 0.00059%; no homozygotes.

Submissions (2):

GeneDx
Classification: Uncertain significance. Last evaluated: 2023-11-18. Review status: criteria provided, single submitter. Criteria: GeneDx Variant Classification Process June 2021. Collection method: clinical testing. Allele origin: germline. Affected: yes.
Comment: Not observed at significant frequency in large population cohorts (gnomAD); In silico analysis supports that this missense variant does not alter protein structure/function; Has not been previously published as pathogenic or benign to our knowledge

Labcorp Genetics (formerly Invitae), Labcorp
Classification: Uncertain significance. Last evaluated: 2021-09-24. Review status: criteria provided, single submitter. Criteria: Invitae Variant Classification Sherloc (09022015). Collection method: clinical testing. Allele origin: germline.
Comment: This sequence change replaces arginine with lysine at codon 1588 of the VPS13D protein (p.Arg1588Lys). The arginine residue is weakly conserved and there is a small physicochemical difference between arginine and lysine. This variant is not present in population databases (ExAC no frequency). This variant has not been reported in the literature in individuals with VPS13D-related conditions. Algorithms developed to predict the effect of missense changes on protein structure and function output the following: SIFT: "Tolerated"; PolyPhen-2: "Benign"; Align-GVGD: "Class C0". The lysine amino acid residue is found in multiple mammalian species, suggesting that this missense change does not adversely affect protein function. These predictions have not been confirmed by published functional studies and their clinical significance is uncertain. In summary, the available evidence is currently insufficient to determine the role of this variant in disease. Therefore, it has been classified as a Variant of Uncertain Significance.